The following is an entry in ClinVar:

ClinVar aggregate classification (germline): Uncertain significance (1 of 4 stars; one submission).

gnomAD v4.1: 1 of 1,613,106 alleles (0.000062%); no homozygotes.

Submission:

Labcorp Genetics (formerly Invitae), Labcorp
Classification: Uncertain significance. Last evaluated: 2024-12-30. Review status: criteria provided, single submitter. Criteria: Invitae Variant Classification Sherloc (09022015). Collection method: clinical testing. Allele origin: germline.
Comment: This sequence change replaces alanine, which is neutral and non-polar, with valine, which is neutral and non-polar, at codon 1720 of the COL11A2 protein (p.Ala1720Val). This variant is not present in population databases (gnomAD no frequency). This variant has not been reported in the literature in individuals affected with COL11A2-related conditions. Invitae Evidence Modeling of protein sequence and biophysical properties (such as structural, functional, and spatial information, amino acid conservation, physicochemical variation, residue mobility, and thermodynamic stability) indicates that this missense variant is not expected to disrupt COL11A2 protein function with a negative predictive value of 95%. In summary, the available evidence is currently insufficient to determine the role of this variant in disease. Therefore, it has been classified as a Variant of Uncertain Significance.

NM_080680.3(COL11A2):c.5159C>T (p.Ala1720Val)

Gene: COL11A2 (collagen type XI alpha 2 chain; minus strand). Cytogenetic location: 6p21.32.
Variant type: single nucleotide variant.
Coding change: c.5159C>T on transcript NM_080680.3 (MANE Select); coding-DNA position 5159, C replaced by T.
Protein change: p.Ala1720Val; replaces alanine 1720 with valine.
Molecular consequence: missense variant.
Genome position (GRCh38, 1-based): chr6:33,163,730, G>A on the plus strand (C>T on the coding strand, the complement: COL11A2 is on the minus strand). VCF-style: chr6-33163730-G-A. GRCh37 (hg19) VCF-style: chr6-33131507-G-A.
Other names: c.4979C>T, p.Ala1660Val (NM_001424108.1); c.4313C>T, p.Ala1438Val (NM_001424109.1); c.4133C>T, p.Ala1378Val (NM_001424110.1, NM_001424111.1); c.3113C>T, p.Ala1038Val (NM_001424112.1); c.4838C>T, p.Ala1613Val (NM_080679.3); c.4901C>T, p.Ala1634Val (NM_080681.3); short protein forms A1378V, A1634V, A1438V, A1613V, A1720V, A1038V, A1660V.
Identifiers: ClinVar variation 3677730 (VCV003677730.2).